The following is an entry in ClinVar:

ClinVar aggregate classification (germline): Uncertain significance (1 of 4 stars; one submission).

Conditions:
Periodic fever-infantile enterocolitis-autoinflammatory syndrome. Also called: Autoinflammation with infantile enterocolitis. Identifiers: Orphanet 436166, MedGen C4015067, MONDO:0014472, OMIM 616050.
Familial cold autoinflammatory syndrome 4 (FCAS4). Identifiers: Orphanet 47045, Orphanet 576349, MedGen C4015276, MONDO:0014498, OMIM 616115.

Submission:

Labcorp Genetics (formerly Invitae), Labcorp
Classification: Uncertain significance for Periodic fever-infantile enterocolitis-autoinflammatory syndrome; Familial cold autoinflammatory syndrome 4. Last evaluated: 2023-01-28. Review status: criteria provided, single submitter. Criteria: Invitae Variant Classification Sherloc (09022015). Collection method: clinical testing. Allele origin: germline.
Comment: This sequence change replaces valine, which is neutral and non-polar, with leucine, which is neutral and non-polar, at codon 1022 of the NLRC4 protein (p.Val1022Leu). This variant is not present in population databases (gnomAD no frequency). This variant has not been reported in the literature in individuals affected with NLRC4-related conditions. ClinVar contains an entry for this variant (Variation ID: 945989). Algorithms developed to predict the effect of missense changes on protein structure and function output the following: SIFT: "Tolerated"; PolyPhen-2: "Benign"; Align-GVGD: "Class C0". The leucine amino acid residue is found in multiple mammalian species, which suggests that this missense change does not adversely affect protein function. In summary, the available evidence is currently insufficient to determine the role of this variant in disease. Therefore, it has been classified as a Variant of Uncertain Significance.

NM_001199138.2(NLRC4):c.3064G>C (p.Val1022Leu)

Gene: NLRC4 (NLR family CARD domain containing 4; minus strand). Cytogenetic location: 2p22.3.
Variant type: single nucleotide variant.
Coding change: c.3064G>C on transcript NM_001199138.2 (MANE Select); coding-DNA position 3064, G replaced by C.
Protein change: p.Val1022Leu; replaces valine 1022 with leucine.
Molecular consequence: missense variant.
Genome position (GRCh38, 1-based): chr2:32,224,484, C>G on the plus strand (G>C on the coding strand, the complement: NLRC4 is on the minus strand). VCF-style: chr2-32224484-C-G. GRCh37 (hg19) VCF-style: chr2-32449553-C-G.
Other names: c.3064G>C, p.Val1022Leu (NM_001199139.2, NM_021209.5); c.1069G>C, p.Val357Leu (NM_001302504.2); short protein forms V1022L, V357L.
Identifiers: ClinVar variation 945989 (VCV000945989.9), dbSNP rs772124793, ClinGen allele CA346519008.